The following is an entry in ClinVar:

NM_002691.4(POLD1):c.1581G>A (p.Met527Ile)

Gene: POLD1 (DNA polymerase delta 1, catalytic subunit; plus strand). Cytogenetic location: 19q13.33.
Variant type: single nucleotide variant.
Coding change: c.1581G>A on transcript NM_002691.4 (MANE Select); coding-DNA position 1581, G replaced by A.
Protein change: p.Met527Ile; replaces methionine 527 with isoleucine.
Molecular consequence: missense variant. On other transcripts: non-coding transcript variant (1).
Genome position (GRCh38, 1-based): chr19:50,407,069, G>A. VCF-style: chr19-50407069-G-A. GRCh37 (hg19) VCF-style: chr19-50910326-G-A.
Other names: c.1581G>A, p.Met527Ile (NM_001256849.1, NM_001308632.1); short protein forms M527I.
Identifiers: ClinVar variation 1775710 (VCV001775710.2), dbSNP rs2514000230, ClinGen allele CA406980907.

ClinVar aggregate classification (germline): Uncertain significance (1 of 4 stars; one submission).

Conditions:
Hereditary cancer-predisposing syndrome. Also called: Neoplastic Syndromes, Hereditary; Tumor predisposition; Hereditary Cancer Syndrome; Hereditary neoplastic syndrome. Identifiers: Orphanet 140162, MedGen C0027672, MeSH D009386, MONDO:0015356.

Submission:

Ambry Genetics
Classification: Uncertain significance for Hereditary cancer-predisposing syndrome. Last evaluated: 2019-08-05. Review status: criteria provided, single submitter. Criteria: Ambry Variant Classification Scheme 2023. Collection method: clinical testing. Allele origin: germline.
Comment: The p.M527I variant (also known as c.1581G>A), located in coding exon 12 of the POLD1 gene, results from a G to A substitution at nucleotide position 1581. The methionine at codon 527 is replaced by isoleucine, an amino acid with highly similar properties. This amino acid position is highly conserved in available vertebrate species. In addition, the in silico prediction for this alteration is inconclusive. Since supporting evidence is limited at this time, the clinical significance of this alteration remains unclear.